The following is an entry in ClinVar:

NM_002241.5(KCNJ10):c.151T>C (p.Tyr51His)

Gene: KCNJ10 (potassium inwardly rectifying channel subfamily J member 10; minus strand). Cytogenetic location: 1q23.2.
Variant type: single nucleotide variant.
Coding change: c.151T>C on transcript NM_002241.5 (MANE Select); coding-DNA position 151, T replaced by C.
Protein change: p.Tyr51His; replaces tyrosine 51 with histidine.
Molecular consequence: missense variant.
Genome position (GRCh38, 1-based): chr1:160,042,382, A>G on the plus strand (T>C on the coding strand, the complement: KCNJ10 is on the minus strand). VCF-style: chr1-160042382-A-G. GRCh37 (hg19) VCF-style: chr1-160012172-A-G.
Other names: short protein forms Y51H.
Identifiers: ClinVar variation 2145785 (VCV002145785.4), dbSNP rs2525431163, ClinGen allele CA343229917.
Genomic context (GRCh38, chr1:160,042,382, plus strand): 5'-AGAGCAGAAGCTTGTAGCGCCACTGCATGTCAATGAAGGTTGTCCACAGGTCCTTGAGGT[A>G]GAGGAAGCGCTTGTCGGCAATGTGCTCCATTCTCACGTTGCTGCGACCATCTTTTGTCAG-3'
Protein context (NP_002232.2, residues 41-61): MEHIADKRFL[Tyr51His]LKDLWTTFID

ClinVar aggregate classification (germline): Uncertain significance (1 of 4 stars; one submission).

Conditions:
EAST syndrome (SESAMES). Also called: SEIZURES, SENSORINEURAL DEAFNESS, ATAXIA, IMPAIRED INTELLECTUAL DEVELOPMENT, AND ELECTROLYTE IMBALANCE. Identifiers: Orphanet 199343, MedGen C2748572, MONDO:0013005, OMIM 612780.

Submission:

Labcorp Genetics (formerly Invitae), Labcorp
Classification: Uncertain significance for EAST syndrome. Last evaluated: 2022-06-09. Review status: criteria provided, single submitter. Criteria: Invitae Variant Classification Sherloc (09022015). Collection method: clinical testing. Allele origin: germline.
Comment: In summary, the available evidence is currently insufficient to determine the role of this variant in disease. Therefore, it has been classified as a Variant of Uncertain Significance. Algorithms developed to predict the effect of missense changes on protein structure and function (SIFT, PolyPhen-2, Align-GVGD) all suggest that this variant is likely to be disruptive. This variant has not been reported in the literature in individuals affected with KCNJ10-related conditions. This variant is not present in population databases (gnomAD no frequency). This sequence change replaces tyrosine, which is neutral and polar, with histidine, which is basic and polar, at codon 51 of the KCNJ10 protein (p.Tyr51His).